The following is an entry in ClinVar:

ClinVar aggregate classification (germline): Uncertain significance (1 of 4 stars; one submission).

gnomAD v4.1: 2 of 1,614,060 alleles (0.00012%); highest among the groups gnomAD compares: Middle Eastern, 0.033%; no homozygotes.

Submission:

Labcorp Genetics (formerly Invitae), Labcorp
Classification: Uncertain significance. Last evaluated: 2025-02-22. Review status: criteria provided, single submitter. Criteria: Invitae Variant Classification Sherloc (09022015). Collection method: clinical testing. Allele origin: germline.
Comment: This sequence change replaces glycine, which is neutral and non-polar, with valine, which is neutral and non-polar, at codon 764 of the KCNB2 protein (p.Gly764Val). This variant is present in population databases (no rsID available, gnomAD 0.0009%). This variant has not been reported in the literature in individuals affected with KCNB2-related conditions. An algorithm developed to predict the effect of missense changes on protein structure and function (PolyPhen-2) suggests that this variant is likely to be tolerated. In summary, the available evidence is currently insufficient to determine the role of this variant in disease. Therefore, it has been classified as a Variant of Uncertain Significance.

NM_004770.3(KCNB2):c.2291G>T (p.Gly764Val)

Gene: KCNB2 (potassium voltage-gated channel subfamily B member 2; plus strand). Cytogenetic location: 8q21.11.
Variant type: single nucleotide variant.
Coding change: c.2291G>T on transcript NM_004770.3 (MANE Select); coding-DNA position 2291, G replaced by T.
Protein change: p.Gly764Val; replaces glycine 764 with valine.
Molecular consequence: missense variant.
Genome position (GRCh38, 1-based): chr8:72,937,646, G>T. VCF-style: chr8-72937646-G-T. GRCh37 (hg19) VCF-style: chr8-73849881-G-T.
Other names: short protein forms G764V.
Identifiers: ClinVar variation 4763563 (VCV004763563.1).